The following is an entry in ClinVar:

ClinVar aggregate classification (germline): Conflicting classifications of pathogenicity. Review status: criteria provided, conflicting classifications (1 of 4 stars). 4 submissions from 4 submitters: Uncertain significance (1); Likely benign (3). Last evaluated 2026-08-07.

Conditions:
Hereditary nonpolyposis colorectal neoplasms. Identifiers: MedGen C0009405, MeSH D003123.
Lynch syndrome 5 (LYNCH5). Also called: Colorectal cancer, hereditary nonpolyposis, type 5; Hereditary non-polyposis colorectal cancer, type 5. Identifiers: Orphanet 144, MedGen C1833477, MONDO:0013710, OMIM 614350. Disease mechanism: loss of function.
Hereditary cancer-predisposing syndrome. Also called: Neoplastic Syndromes, Hereditary; Tumor predisposition; Hereditary Cancer Syndrome; Hereditary neoplastic syndrome. Identifiers: Orphanet 140162, MedGen C0027672, MeSH D009386, MONDO:0015356.

Submissions (4):

Ambry Genetics
Classification: Likely benign for Hereditary cancer-predisposing syndrome. Last evaluated: 2026-08-07. Review status: criteria provided, single submitter. Criteria: Ambry Variant Classification Scheme 2023. Collection method: clinical testing. Allele origin: germline.

Myriad Genetics, Inc.
Classification: Likely benign for Lynch syndrome 5. Last evaluated: 2024-12-18. Review status: criteria provided, single submitter. Criteria: Myriad Autosomal Dominant, Autosomal Recessive and X-Linked Classification Criteria (2023). Collection method: clinical testing. Allele origin: unknown.
Comment: This variant is considered likely benign. This variant is intronic and is not expected to impact mRNA splicing.

Color Diagnostics, LLC DBA Color Health
Classification: Uncertain significance for Hereditary cancer-predisposing syndrome. Last evaluated: 2022-08-22. Review status: criteria provided, single submitter. Criteria: ACMG Guidelines, 2015. Collection method: clinical testing. Allele origin: germline.
Comment: This variant causes an A to G nucleotide substitution at the -5 position of intron 1 of the MSH6 gene. To our knowledge, RNA studies have not been reported for this variant. This variant has not been reported in individuals affected with hereditary cancer in the literature. This variant has not been identified in the general population by the Genome Aggregation Database (gnomAD). The available evidence is insufficient to determine the role of this variant in disease conclusively. Therefore, this variant is classified as a Variant of Uncertain Significance.

Labcorp Genetics (formerly Invitae), Labcorp
Classification: Likely benign for Hereditary nonpolyposis colorectal neoplasms. Last evaluated: 2021-12-24. Review status: criteria provided, single submitter. Criteria: Invitae Variant Classification Sherloc (09022015). Collection method: clinical testing. Allele origin: germline.

NM_000179.3(MSH6):c.261-5A>G

Gene: MSH6 (mutS homolog 6; plus strand). Cytogenetic location: 2p16.3.
Variant type: single nucleotide variant.
Coding change: c.261-5A>G on transcript NM_000179.3 (MANE Select); 5 bases into the intron before coding-DNA position 261, A replaced by G.
Molecular consequence: intron variant.
Genome position (GRCh38, 1-based): chr2:47,790,922, A>G. VCF-style: chr2-47790922-A-G. GRCh37 (hg19) VCF-style: chr2-48018061-A-G.
Other names: c.-476-5A>G (NM_001281493.2); c.237+7452A>G (NM_001281492.2); c.-642-5A>G (NM_001281494.2); c.261-5A>G (NM_000179.2).
Identifiers: ClinVar variation 1095017 (VCV001095017.13), dbSNP rs2104097899, ClinGen allele CA2499216081.